The following is an entry in ClinVar:

ClinVar aggregate classification (germline): Conflicting classifications of pathogenicity. Review status: criteria provided, conflicting classifications (1 of 4 stars). 2 submissions from 2 submitters: Likely pathogenic (1); Uncertain significance (1). Last evaluated 2025-06-19.

Conditions:
Desmosterolosis. Identifiers: Orphanet 35107, MedGen C1865596, MONDO:0011217, OMIM 602398.

gnomAD v4.1: 4 of 1,613,922 alleles (0.00025%); highest among the groups gnomAD compares: African/African-American, 0.0013%; no homozygotes.

Submissions (2):

Labcorp Genetics (formerly Invitae), Labcorp
Classification: Uncertain significance. Last evaluated: 2025-06-19. Review status: criteria provided, single submitter. Criteria: Invitae Variant Classification Sherloc (09022015). Collection method: clinical testing. Allele origin: germline.
Comment: This sequence change replaces arginine, which is basic and polar, with histidine, which is basic and polar, at codon 352 of the DHCR24 protein (p.Arg352His). This variant is present in population databases (rs557970863, gnomAD 0.006%). This variant has not been reported in the literature in individuals affected with DHCR24-related conditions. ClinVar contains an entry for this variant (Variation ID: 3384675). Invitae Evidence Modeling of protein sequence and biophysical properties (such as structural, functional, and spatial information, amino acid conservation, physicochemical variation, residue mobility, and thermodynamic stability) indicates that this missense variant is expected to disrupt DHCR24 protein function with a positive predictive value of 80%. In summary, the available evidence is currently insufficient to determine the role of this variant in disease. Therefore, it has been classified as a Variant of Uncertain Significance.

Molecular Diagnostics and Clinical Genetics Unit, Hospital Universitari Son Espases/IbSalut
Classification: Likely pathogenic for Desmosterolosis. Review status: criteria provided, single submitter. Criteria: ACMG Guidelines, 2015. Collection method: clinical testing. Allele origin: biparental. Affected: yes.
Comment: The variant c.1055G>A p.(Arg352His) has been detected in two probands from consanguineous parents. It has an extremely low allele frequency in gnomAD (0.0054%) never present in homozygosis.

NM_014762.4(DHCR24):c.1055G>A (p.Arg352His)

Gene: DHCR24 (24-dehydrocholesterol reductase; minus strand). Cytogenetic location: 1p32.3.
Variant type: single nucleotide variant.
Coding change: c.1055G>A on transcript NM_014762.4 (MANE Select); coding-DNA position 1055, G replaced by A.
Protein change: p.Arg352His; replaces arginine 352 with histidine.
Molecular consequence: missense variant.
Genome position (GRCh38, 1-based): chr1:54,854,200, C>T on the plus strand (G>A on the coding strand, the complement: DHCR24 is on the minus strand). VCF-style: chr1-54854200-C-T. GRCh37 (hg19) VCF-style: chr1-55319873-C-T.
Other names: short protein forms R352H.
Identifiers: ClinVar variation 3384675 (VCV003384675.3).